The following is an entry in ClinVar:

ClinVar aggregate classification (germline): Uncertain significance. Review status: criteria provided, multiple submitters, no conflicts (2 of 4 stars). 2 submissions from 2 submitters: Uncertain significance (2). Last evaluated 2025-08-05.

Conditions:
Inborn genetic diseases. Identifiers: MedGen C0950123, MeSH D030342.

Allele frequency attached by ClinVar (database versions not stated): ESP Exome Variant Server 0.00008; ExAC 0.00014; gnomAD exomes 0.00014; TOPMed 0.00015; gnomAD 0.00016; 1000 Genomes Project 30x 0.00031; 1000 Genomes Project 0.00040.

Submissions (2):

Ambry Genetics
Classification: Uncertain significance for Inborn genetic diseases. Last evaluated: 2025-08-05. Review status: criteria provided, single submitter. Criteria: Ambry Variant Classification Scheme 2023. Collection method: clinical testing. Allele origin: germline.

Labcorp Genetics (formerly Invitae), Labcorp
Classification: Uncertain significance. Last evaluated: 2024-11-28. Review status: criteria provided, single submitter. Criteria: Invitae Variant Classification Sherloc (09022015). Collection method: clinical testing. Allele origin: germline.
Comment: This sequence change replaces isoleucine, which is neutral and non-polar, with valine, which is neutral and non-polar, at codon 124 of the FOCAD protein (p.Ile124Val). This variant is present in population databases (rs139972395, gnomAD 0.02%). This variant has not been reported in the literature in individuals affected with FOCAD-related conditions. ClinVar contains an entry for this variant (Variation ID: 2718436). An algorithm developed to predict the effect of missense changes on protein structure and function outputs the following: PolyPhen-2: "Not Available". The valine amino acid residue is found in multiple mammalian species, which suggests that this missense change does not adversely affect protein function. In summary, the available evidence is currently insufficient to determine the role of this variant in disease. Therefore, it has been classified as a Variant of Uncertain Significance.

NM_001375567.1(FOCAD):c.370A>G (p.Ile124Val)

Gene: FOCAD (focadhesin; plus strand). Cytogenetic location: 9p21.3.
Variant type: single nucleotide variant.
Coding change: c.370A>G on transcript NM_001375567.1 (MANE Select); coding-DNA position 370, A replaced by G.
Protein change: p.Ile124Val; replaces isoleucine 124 with valine.
Molecular consequence: missense variant. On other transcripts: intron variant (1).
Genome position (GRCh38, 1-based): chr9:20,740,318, A>G. VCF-style: chr9-20740318-A-G. GRCh37 (hg19) VCF-style: chr9-20740317-A-G.
Other names: c.370A>G, p.Ile124Val (NM_001375568.1, NM_017794.5); c.288-17772A>G (NM_001375570.1); c.370A>G (NM_017794.3); short protein forms I124V.
Identifiers: ClinVar variation 2718436 (VCV002718436.4), dbSNP rs139972395, ClinGen allele CA5006312.